The following is an entry in ClinVar:

ClinVar aggregate classification (germline): Conflicting classifications of pathogenicity. Review status: criteria provided, conflicting classifications (1 of 4 stars). 3 submissions from 3 submitters: Uncertain significance (2); Likely benign (1). Last evaluated 2024-11-19.

Conditions:
Inborn genetic diseases. Identifiers: MedGen C0950123, MeSH D030342.

Allele frequency attached by ClinVar (database versions not stated): 1000 Genomes Project 30x 0.00016; 1000 Genomes Project 0.00020; gnomAD exomes 0.00026 and 0.00063; gnomAD 0.00027 and 0.00029; TOPMed 0.00032; ESP Exome Variant Server 0.00033; ExAC 0.00040.
gnomAD v4.1: 934 of 1,591,306 alleles (0.059%); highest among the groups gnomAD compares: Non-Finnish European, 0.075%; no homozygotes.

Submissions (3):

Blueprint Genetics
Classification: Likely benign. Last evaluated: 2024-11-19. Review status: criteria provided, single submitter. Criteria: ACMG Guidelines, 2015. Collection method: clinical testing. Allele origin: germline.

Labcorp Genetics (formerly Invitae), Labcorp
Classification: Uncertain significance. Last evaluated: 2022-10-26. Review status: criteria provided, single submitter. Criteria: Invitae Variant Classification Sherloc (09022015). Collection method: clinical testing. Allele origin: germline.
Comment: This sequence change replaces arginine, which is basic and polar, with cysteine, which is neutral and slightly polar, at codon 9 of the PPA2 protein (p.Arg9Cys). This variant is present in population databases (rs376003705, gnomAD 0.04%). This variant has not been reported in the literature in individuals affected with PPA2-related conditions. ClinVar contains an entry for this variant (Variation ID: 1374186). Algorithms developed to predict the effect of missense changes on protein structure and function are either unavailable or do not agree on the potential impact of this missense change (SIFT: "Tolerated"; PolyPhen-2: "Possibly Damaging"; Align-GVGD: "Class C0"). In summary, the available evidence is currently insufficient to determine the role of this variant in disease. Therefore, it has been classified as a Variant of Uncertain Significance.

Ambry Genetics
Classification: Uncertain significance for Inborn genetic diseases. Last evaluated: 2021-05-03. Review status: criteria provided, single submitter. Criteria: Ambry Variant Classification Scheme 2023. Collection method: clinical testing. Allele origin: germline.

NM_176869.3(PPA2):c.25C>T (p.Arg9Cys)

Gene: PPA2 (inorganic pyrophosphatase 2; minus strand). Cytogenetic location: 4q24.
Variant type: single nucleotide variant.
Coding change: c.25C>T on transcript NM_176869.3 (MANE Select); coding-DNA position 25, C replaced by T.
Protein change: p.Arg9Cys; replaces arginine 9 with cysteine.
Molecular consequence: missense variant.
Genome position (GRCh38, 1-based): chr4:105,474,026, G>A on the plus strand (C>T on the coding strand, the complement: PPA2 is on the minus strand). VCF-style: chr4-105474026-G-A. GRCh37 (hg19) VCF-style: chr4-106395183-G-A.
Other names: c.25C>T, p.Arg9Cys (NM_006903.4, NM_176866.2, NM_176867.3); c.25C>T (NM_176869.2); short protein forms R9C.
Identifiers: ClinVar variation 1374186 (VCV001374186.5), dbSNP rs376003705, ClinGen allele CA3032876.